The following is an entry in ClinVar:

ClinVar aggregate classification (germline): Uncertain significance (1 of 4 stars; one submission).

Submission:

CeGaT Center for Human Genetics Tuebingen
Classification: Uncertain significance. Last evaluated: 2024-06-01. Review status: criteria provided, single submitter. Criteria: CeGaT Center For Human Genetics Tuebingen Variant Classification Criteria Version 2. Collection method: clinical testing. Allele origin: germline. Affected: yes. Observed: 3 variant alleles.
Comment: TBX5: PM2, PVS1:Moderate

NM_181486.4(TBX5):c.1454_1455del (p.Pro485fs)

Gene: TBX5 (T-box transcription factor 5; minus strand). Cytogenetic location: 12q24.21.
Variant type: Deletion.
Coding change: c.1454_1455del on transcript NM_181486.4 (MANE Select); coding-DNA positions 1454 to 1455, 2 bases deleted (CT; older notation c.1454_1455delCT).
Protein change: p.Pro485fs; shifts the reading frame from proline 485.
Molecular consequence: frameshift variant.
Genome position (GRCh38, 1-based): chr12:114,355,634-114,355,635, AG deleted on the plus strand (CT on the coding strand, the reverse complement: TBX5 is on the minus strand). VCF-style (leftmost placement, unchanged base first): chr12-114355633-CAG-C. GRCh37 (hg19) VCF-style: chr12-114793438-CAG-C.
Other names: c.1454_1455del, p.Pro485fs (NM_000192.3); c.1304_1305del, p.Pro435fs (NM_080717.4); short protein forms P435fs, P485fs.
Identifiers: ClinVar variation 3239603 (VCV003239603.19), dbSNP rs2540424637.
Genomic context (GRCh38, chr12:114,355,633, plus strand): 5'-GCACAGAGTGGTACTGATGAGGGGATAGAGTCCTTGGCACGCCATGAGAGTAGAGGAACT[CAG>C]GGGGCTGAAGGGTGCCAGGGGACTGCAGGCCAGTCTGAGGCCCACACTGCCTGACCACAG-3'